The following is an entry in ClinVar:

ClinVar aggregate classification (germline): Uncertain significance (1 of 4 stars; one submission).

Conditions:
X-linked mixed hearing loss with perilymphatic gusher. Also called: Gusher syndrome; NANCE DEAFNESS; PERILYMPHATIC GUSHER-DEAFNESS SYNDROME; SENSORINEURAL DEAFNESS, PROFOUND, WITH OR WITHOUT A CONDUCTIVE COMPONENT, ASSOCIATED WITH A UNIQUE DEVELOPMENTAL ABNORMALITY OF THE EAR; Deafness, X-linked 2. Identifiers: Orphanet 383, MedGen C1844678, MONDO:0010576, OMIM 304400.

Submission:

3billion
Classification: Uncertain significance for X-linked mixed hearing loss with perilymphatic gusher. Last evaluated: 2025-05-15. Review status: criteria provided, single submitter. Criteria: ACMG Guidelines, 2015. Collection method: clinical testing. Allele origin: germline. Affected: yes.
Comment: The variant is not observed in the gnomAD v4.1.0 dataset. Predicted Consequence/Location: Missense variant In silico tool predictions suggest damaging effect of the variant on gene or gene product [REVEL: 0.95 (>=0.6, sensitivity 0.68 and specificity 0.92); 3Cnet: 0.88 (> 0.75, sensitivity 0.96 and precision 0.92)]. A different missense change at the same codon (p.Gly216Glu) has been reported to be associated with POU3F4-related disorder (ClinVar ID: VCV000422492 /PMID: 21193157). Therefore, this variant is classified as VUS according to the recommendation of ACMG/AMP guideline.

Literature cited by the submitters: PubMed 21193157.

NM_000307.5(POU3F4):c.647G>T (p.Gly216Val)

Gene: POU3F4 (POU class 3 homeobox 4; plus strand). Cytogenetic location: Xq21.1.
Variant type: single nucleotide variant.
Coding change: c.647G>T on transcript NM_000307.5 (MANE Select); coding-DNA position 647, G replaced by T.
Protein change: p.Gly216Val; replaces glycine 216 with valine.
Molecular consequence: missense variant.
Genome position (GRCh38, 1-based): chrX:83,508,971, G>T. VCF-style: chrX-83508971-G-T. GRCh37 (hg19) VCF-style: chrX-82763979-G-T.
Other names: short protein forms G216V.
Identifiers: ClinVar variation 4855711 (VCV004855711.1).